The following is an entry in ClinVar:

ClinVar aggregate classification (germline): Likely pathogenic (1 of 4 stars; one submission).

Submission:

Women's Health and Genetics/Laboratory Corporation of America, LabCorp
Classification: Likely pathogenic. Last evaluated: 2018-10-15. Review status: criteria provided, single submitter. Criteria: LabCorp Variant Classification Summary - May 2015. Collection method: clinical testing. Allele origin: germline.
Comment: Variant summary: NDUFV1 c.155+1G>A is located in a canonical splice-site and is predicted to affect mRNA splicing resulting in a significantly altered protein due to either exon skipping, shortening, or inclusion of intronic material. Several computational tools predict a significant impact on normal splicing: Five predict the variant abolishes a 5 splicing donor site. However, these predictions have yet to be confirmed by functional studies. The variant was absent in 246272 control chromosomes (gnomAD). The variant, c.155+1G>A, has been reported in the literature in one individual affected with vanishing white matter disease (Wadhwa_2018). This report does not provide unequivocal conclusions about association of the variant with Leigh Syndrome. To our knowledge, no experimental evidence demonstrating an impact on protein function has been reported. No clinical diagnostic laboratories have submitted clinical-significance assessments for this variant to ClinVar after 2014. Based on the evidence outlined above, the variant was classified as likely pathogenic.

Literature cited by the submitters: PubMed 29948731.

NM_007103.4(NDUFV1):c.155+1G>A

Gene: NDUFV1 (NADH:ubiquinone oxidoreductase core subunit V1; plus strand). Cytogenetic location: 11q13.2.
Variant type: single nucleotide variant.
Coding change: c.155+1G>A on transcript NM_007103.4 (MANE Select); the canonical splice donor site of the intron after coding-DNA position 155, G replaced by A.
Molecular consequence: splice donor variant.
Genome position (GRCh38, 1-based): chr11:67,608,479, G>A. VCF-style: chr11-67608479-G-A. GRCh37 (hg19) VCF-style: chr11-67375950-G-A.
Other names: c.128+1G>A (NM_001166102.2).
Identifiers: ClinVar variation 632919 (VCV000632919.1), dbSNP rs1565224383, ClinGen allele CA381532947.
Genomic context (GRCh38, chr11:67,608,479, plus strand): 5'-TGGCTCGCTGAAGGATGAAGACCGGATTTTCACCAACCTGTACGGCCGCCATGACTGGAG[G>A]TGAGACAGTGCCCTTAGTGTGTTGGGTCCCGGAGCAAGGTGTCCCCTTCATTGCCTTCCC-3'